The following is an entry in ClinVar:

ClinVar aggregate classification (germline): Uncertain significance (1 of 4 stars; one submission).

gnomAD v4.1: 1 of 1,613,752 alleles (0.000062%); no homozygotes.

Submission:

GeneDx
Classification: Uncertain significance. Last evaluated: 2020-01-13. Review status: criteria provided, single submitter. Criteria: GeneDx Variant Classification Process June 2021. Collection method: clinical testing. Allele origin: germline. Affected: yes.
Comment: Not observed in large population cohorts (Lek et al., 2016); Canonical splice site variant in a gene for which loss-of-function is not a known mechanism of disease; Has not been previously published as pathogenic or benign to our knowledge

NM_177402.5(SYT2):c.179-2A>G

Gene: SYT2 (synaptotagmin 2; minus strand). Cytogenetic location: 1q32.1.
Variant type: single nucleotide variant.
Coding change: c.179-2A>G on transcript NM_177402.5 (MANE Select); the canonical splice acceptor site of the intron before coding-DNA position 179, A replaced by G.
Molecular consequence: splice acceptor variant.
Genome position (GRCh38, 1-based): chr1:202,604,623, T>C on the plus strand (A>G on the coding strand, the complement: SYT2 is on the minus strand). VCF-style: chr1-202604623-T-C. GRCh37 (hg19) VCF-style: chr1-202573751-T-C.
Other names: c.179-2A>G (NM_001136504.1).
Identifiers: ClinVar variation 1311481 (VCV001311481.2), dbSNP rs2149071078, ClinGen allele CA344259544.